The following is an entry in ClinVar:

ClinVar aggregate classification (germline): Uncertain significance. Review status: criteria provided, multiple submitters, no conflicts (2 of 4 stars). 2 submissions from 2 submitters: Uncertain significance (2). Last evaluated 2024-10-11.

Conditions:
Inborn genetic diseases. Identifiers: MedGen C0950123, MeSH D030342.

Submissions (2):

GeneDx
Classification: Uncertain significance. Last evaluated: 2024-10-11. Review status: criteria provided, single submitter. Criteria: GeneDx Variant Classification Process June 2021. Collection method: clinical testing. Allele origin: germline. Affected: yes.
Comment: Not observed at significant frequency in large population cohorts (gnomAD); In silico analysis indicates that this missense variant does not alter protein structure/function; Has not been previously published as pathogenic or benign to our knowledge

Ambry Genetics
Classification: Uncertain significance for Inborn genetic diseases. Last evaluated: 2023-03-20. Review status: criteria provided, single submitter. Criteria: Ambry Variant Classification Scheme 2023. Collection method: clinical testing. Allele origin: germline.

NM_001039591.3(USP9X):c.6487C>A (p.Leu2163Ile)

Gene: USP9X (ubiquitin specific peptidase 9 X-linked; plus strand). Cytogenetic location: Xp11.4.
Variant type: single nucleotide variant.
Coding change: c.6487C>A on transcript NM_001039591.3 (MANE Select); coding-DNA position 6487, C replaced by A.
Protein change: p.Leu2163Ile; replaces leucine 2163 with isoleucine.
Molecular consequence: missense variant.
Genome position (GRCh38, 1-based): chrX:41,219,153, C>A. VCF-style: chrX-41219153-C-A. GRCh37 (hg19) VCF-style: chrX-41078406-C-A.
Other names: c.6487C>A, p.Leu2163Ile (NM_001039590.3); c.6502C>A, p.Leu2168Ile (NM_001410748.1, NM_001410749.1); short protein forms L2163I, L2168I.
Identifiers: ClinVar variation 2527068 (VCV002527068.3), dbSNP rs2519382435, ClinGen allele CA412801107.
Genomic context (GRCh38, chrX:41,219,153, plus strand): 5'-CCTTTACAGGCTTATGACAACTTAAGCTTGAGTGATCACTTACTAAGAGCAGTACTAAAT[C>A]TCTTGAGAAGGGAAGTTTCAGAGCATGGGCGTCATTTACAGCAGTATTTCAACCTGTTTG-3'
Protein context (NP_001034680.2, residues 2153-2173): SDHLLRAVLN[Leu2163Ile]LRREVSEHGR